The following is an entry in ClinVar:

ClinVar aggregate classification (germline): Uncertain significance (1 of 4 stars; one submission).

Submission:

GeneDx
Classification: Uncertain significance. Last evaluated: 2023-10-12. Review status: criteria provided, single submitter. Criteria: GeneDx Variant Classification Process June 2021. Collection method: clinical testing. Allele origin: germline. Affected: yes.
Comment: Not observed at significant frequency in large population cohorts (gnomAD); In silico analysis supports that this missense variant has a deleterious effect on protein structure/function; Has not been previously published as pathogenic or benign to our knowledge

NM_001200.4(BMP2):c.395T>G (p.Phe132Cys)

Gene: BMP2 (bone morphogenetic protein 2; plus strand). Cytogenetic location: 20p12.3.
Variant type: single nucleotide variant.
Coding change: c.395T>G on transcript NM_001200.4 (MANE Select); coding-DNA position 395, T replaced by G.
Protein change: p.Phe132Cys; replaces phenylalanine 132 with cysteine.
Molecular consequence: missense variant.
Genome position (GRCh38, 1-based): chr20:6,778,293, T>G. VCF-style: chr20-6778293-T-G. GRCh37 (hg19) VCF-style: chr20-6758940-T-G.
Other names: short protein forms F132C.
Identifiers: ClinVar variation 3252729 (VCV003252729.1), dbSNP rs2514426246.